The following is an entry in ClinVar:

ClinVar aggregate classification (germline): Uncertain significance. Review status: criteria provided, multiple submitters, no conflicts (2 of 4 stars). 2 submissions from 2 submitters: Uncertain significance (2). Last evaluated 2026-03-04.

Conditions:
Inborn genetic diseases. Identifiers: MedGen C0950123, MeSH D030342.
Wilms tumor 1 (WT1). Also called: Wilms tumor, somatic. Identifiers: Orphanet 654, MedGen CN033288, MONDO:0008679, OMIM 194070.
11p partial monosomy syndrome (WAGR). Also called: CHROMOSOME 11p13 DELETION SYNDROME; WAGR syndrome; WAGR Spectrum Disorder; WAGR Complex. Identifiers: Orphanet 893, MedGen C0206115, MONDO:0008681, OMIM 194072.
Drash syndrome (DDS). Also called: NEPHROPATHY, WILMS TUMOR, AND GENITAL ANOMALIES; WILMS TUMOR AND PSEUDO- OR TRUE HERMAPHRODITISM. Identifiers: Orphanet 220, MedGen C0950121, MONDO:0008682, OMIM 194080.
Frasier syndrome. Identifiers: Orphanet 347, MedGen C0950122, MeSH D052159, MONDO:0007635, OMIM 136680.

Allele frequency attached by ClinVar (database versions not stated): gnomAD exomes below 0.00001.
gnomAD v4.1: 2 of 1,613,196 alleles (0.00012%); highest among the groups gnomAD compares: Non-Finnish European, 0.00017%; no homozygotes.

Submissions (2):

Ambry Genetics
Classification: Uncertain significance for Inborn genetic diseases. Last evaluated: 2026-03-04. Review status: criteria provided, single submitter. Criteria: Ambry Variant Classification Scheme 2023. Collection method: clinical testing. Allele origin: germline.
Comment: The c.950+5G>A intronic variant results from a G to A substitution 5 nucleotides after coding exon 4 in the WT1 gene. This nucleotide position is highly conserved in available vertebrate species. In silico splice site analysis predicts that this alteration may weaken the native splice donor site. Based on the available evidence, the clinical significance of this variant remains unclear.

Labcorp Genetics (formerly Invitae), Labcorp
Classification: Uncertain significance for Wilms tumor 1; Drash syndrome; 11p partial monosomy syndrome; Frasier syndrome. Last evaluated: 2024-09-23. Review status: criteria provided, single submitter. Criteria: Invitae Variant Classification Sherloc (09022015). Collection method: clinical testing. Allele origin: germline.
Comment: This sequence change falls in intron 4 of the WT1 gene. It does not directly change the encoded amino acid sequence of the WT1 protein. It affects a nucleotide within the consensus splice site. This variant is not present in population databases (gnomAD no frequency). This variant has not been reported in the literature in individuals affected with WT1-related conditions. ClinVar contains an entry for this variant (Variation ID: 1520420). Variants that disrupt the consensus splice site are a relatively common cause of aberrant splicing (PMID: 17576681, 9536098). Algorithms developed to predict the effect of sequence changes on RNA splicing suggest that this variant is not likely to affect RNA splicing. In summary, the available evidence is currently insufficient to determine the role of this variant in disease. Therefore, it has been classified as a Variant of Uncertain Significance.

Literature cited by the submitters: PubMed 17576681 (cited by Labcorp Genetics (formerly Invitae), Labcorp); PubMed 9536098 (cited by Labcorp Genetics (formerly Invitae), Labcorp).

NM_024426.6(WT1):c.965+5G>A

Gene: WT1 (WT1 transcription factor; minus strand). Cytogenetic location: 11p13.
Variant type: single nucleotide variant.
Coding change: c.965+5G>A on transcript NM_024426.6 (MANE Select); 5 bases into the intron after coding-DNA position 965, G replaced by A.
Molecular consequence: intron variant. On other transcripts: non-coding transcript variant (2).
Genome position (GRCh38, 1-based): chr11:32,417,572, C>T on the plus strand (G>A on the coding strand, the complement: WT1 is on the minus strand). VCF-style: chr11-32417572-C-T. GRCh37 (hg19) VCF-style: chr11-32439118-C-T.
Other names: c.842+5G>A (NM_001407050.1, NM_001407047.1); c.965+5G>A (NM_001407048.1, NM_001407049.1, NM_000378.6 and 4 more transcripts); c.203+5G>A (NM_001407051.1); c.314+5G>A (NM_001198552.2, NM_001198551.2); c.950+5G>A (NM_024426.4).
Identifiers: ClinVar variation 1520420 (VCV001520420.8), dbSNP rs2133036572, ClinGen allele CA2573146209.
Genomic context (GRCh38, chr11:32,417,572, plus strand): 5'-CCTTTGAAATGGTTCAAACAGGTATAAGTTACTGTGGAAAGGCAATGGAATAGAGAAAAC[C>T]TTACCCCTTTAAGGTGGCTCCTAAGTTCATCTGATTCCAGGTCATGCATTCAAGCTGGGA-3'